The following is an entry in ClinVar:

ClinVar aggregate classification (germline): Uncertain significance (1 of 4 stars; one submission).

gnomAD v4.1: 1 of 1,613,538 alleles (0.000062%); highest among the groups gnomAD compares: African/African-American, 0.0013%; no homozygotes.

Submission:

GeneDx
Classification: Uncertain significance. Last evaluated: 2023-06-21. Review status: criteria provided, single submitter. Criteria: GeneDx Variant Classification Process June 2021. Collection method: clinical testing. Allele origin: germline. Affected: yes.
Comment: Not observed at significant frequency in large population cohorts (gnomAD); In silico analysis supports that this missense variant does not alter protein structure/function; Has not been previously published as pathogenic or benign to our knowledge

NM_001303052.2(MYT1L):c.68C>G (p.Pro23Arg)

Gene: MYT1L (myelin transcription factor 1 like; minus strand). Cytogenetic location: 2p25.3.
Variant type: single nucleotide variant.
Coding change: c.68C>G on transcript NM_001303052.2 (MANE Select); coding-DNA position 68, C replaced by G.
Protein change: p.Pro23Arg; replaces proline 23 with arginine.
Molecular consequence: missense variant.
Genome position (GRCh38, 1-based): chr2:1,979,542, G>C on the plus strand (C>G on the coding strand, the complement: MYT1L is on the minus strand). VCF-style: chr2-1979542-G-C. GRCh37 (hg19) VCF-style: chr2-1983314-G-C.
Other names: c.68C>G, p.Pro23Arg (NM_001329844.2, NM_001329845.1, NM_001329846.3 and 6 more transcripts); short protein forms P23R.
Identifiers: ClinVar variation 3360181 (VCV003360181.1).